The following is an entry in ClinVar:

ClinVar aggregate classification (germline): Likely benign. Review status: criteria provided, multiple submitters, no conflicts (2 of 4 stars). 3 submissions from 3 submitters: Likely benign (2). 1 of the submissions does not count toward it. Last evaluated 2025-12-08.

Conditions:
GMPPB-related disorder. Also called: GMPPB-related condition; GMPPB-related disorders.
Muscular dystrophy-dystroglycanopathy (congenital with impaired intellectual development), type B, 14. Also called: Muscular dystrophy-dystroglycanopathy (congenital with intellectual disability), type B14; MUSCULAR DYSTROPHY, CONGENITAL, GMPPB-RELATED; Congenital muscular dystrophy-dystroglycanopathy with mental retardation, type B14. Identifiers: MedGen C3809221, MONDO:0014141, OMIM 615351.
Autosomal recessive limb-girdle muscular dystrophy type 2T. Also called: MUSCULAR DYSTROPHY-DYSTROGLYCANOPATHY, LIMB-GIRDLE, GMPPB-RELATED; MUSCULAR DYSTROPHY, LIMB-GIRDLE, TYPE 2T; Muscular dystrophy-dystroglycanopathy (limb-girdle), type c, 14; Limb-girdle muscular dystrophy-dystroglycanopathy, type C14. Identifiers: Orphanet 363623, MedGen C4518000, MONDO:0014142, OMIM 615352.
Muscular dystrophy-dystroglycanopathy (congenital with brain and eye anomalies), type A14. Also called: WALKER-WARBURG SYNDROME OR MUSCLE-EYE-BRAIN DISEASE, GMPPB-RELATED; Muscular dystrophy-dystroglycanopathy (congenital with brain and eye anomalies), type a, 14; Congenital Muscular Dystrophy-Dystroglycanopathy with Brain and Eye Anomalies Type A 14; Congenital muscular dystrophy-dystroglycanopathy with brain and eye anomalies, type A14. Identifiers: Orphanet 588, MedGen C3809216, MONDO:0014140, OMIM 615350.

Allele frequency attached by ClinVar (database versions not stated): ESP Exome Variant Server 0.00008; ExAC 0.00002; gnomAD exomes 0.00001; TOPMed 0.00008; 1000 Genomes Project 30x 0.00016; gnomAD 0.00008; 1000 Genomes Project 0.00020.
gnomAD v4.1: 19 of 1,592,754 alleles (0.0012%); highest among the groups gnomAD compares: African/African-American, 0.022%; no homozygotes.

Submissions (3):

Labcorp Genetics (formerly Invitae), Labcorp
Classification: Likely benign for Autosomal recessive limb-girdle muscular dystrophy type 2T; Muscular dystrophy-dystroglycanopathy (congenital with brain and eye anomalies), type A14; Muscular dystrophy-dystroglycanopathy (congenital with impaired intellectual development), type B, 14. Last evaluated: 2025-12-08. Review status: criteria provided, single submitter. Criteria: Invitae Variant Classification Sherloc (09022015). Collection method: clinical testing. Allele origin: germline.

GeneDx
Classification: Likely benign. Last evaluated: 2019-09-24. Review status: criteria provided, single submitter. Criteria: GeneDx Variant Classification Process June 2021. Collection method: clinical testing. Allele origin: germline. Affected: yes.
Comment: See Variant Classification Assertion Criteria.

PreventionGenetics, part of Exact Sciences
Classification: Likely benign for GMPPB-related condition. Last evaluated: 2020-09-21. Review status: no assertion criteria provided. Collection method: clinical testing. Allele origin: germline. Not counted in ClinVar's aggregate classification.
Comment: This variant is classified as likely benign based on ACMG/AMP sequence variant interpretation guidelines (Richards et al. 2015 PMID: 25741868, with internal and published modifications).

NM_021971.4(GMPPB):c.30T>C (p.Tyr10=)

Gene: GMPPB (GDP-mannose pyrophosphorylase B; minus strand). Cytogenetic location: 3p21.31.
Variant type: single nucleotide variant.
Coding change: c.30T>C on transcript NM_021971.4 (MANE Select); coding-DNA position 30, T replaced by C.
Protein change: p.Tyr10=; no amino-acid change (tyrosine 10 retained).
Molecular consequence: synonymous variant.
Genome position (GRCh38, 1-based): chr3:49,723,697, A>G on the plus strand (T>C on the coding strand, the complement: GMPPB is on the minus strand). VCF-style: chr3-49723697-A-G. GRCh37 (hg19) VCF-style: chr3-49761130-A-G.
Other names: c.30T>C, p.Tyr10= (NM_013334.4).
Identifiers: ClinVar variation 1580773 (VCV001580773.11), dbSNP rs140509231, ClinGen allele CA2405710.